The following is an entry in ClinVar:

NM_005076.5(CNTN2):c.2207G>A (p.Arg736Gln)

Gene: CNTN2 (contactin 2; plus strand). Cytogenetic location: 1q32.1.
Variant type: single nucleotide variant.
Coding change: c.2207G>A on transcript NM_005076.5 (MANE Select); coding-DNA position 2207, G replaced by A.
Protein change: p.Arg736Gln; replaces arginine 736 with glutamine.
Molecular consequence: missense variant.
Genome position (GRCh38, 1-based): chr1:205,069,837, G>A. VCF-style: chr1-205069837-G-A. GRCh37 (hg19) VCF-style: chr1-205038965-G-A.
Other names: c.2207G>A, p.Arg736Gln (NM_001346083.2); short protein forms R736Q.
Identifiers: ClinVar variation 2059041 (VCV002059041.4), dbSNP rs200101585, ClinGen allele CA1351639.

ClinVar aggregate classification (germline): Uncertain significance. Review status: criteria provided, multiple submitters, no conflicts (2 of 4 stars). 2 submissions from 2 submitters: Uncertain significance (2). Last evaluated 2025-11-26.

Conditions:
Epilepsy, familial adult myoclonic, 5 (EPEO5). Also called: CORTICAL MYOCLONIC TREMOR WITH EPILEPSY, FAMILIAL, 5. Identifiers: Orphanet 86814, MedGen C3809374, MONDO:0014167, OMIM 615400.

Allele frequency attached by ClinVar (database versions not stated): gnomAD 0.00002.
gnomAD v4.1: 32 of 1,613,422 alleles (0.002%); highest among the groups gnomAD compares: Middle Eastern, 0.066%; no homozygotes.

Submissions (2):

Ambry Genetics
Classification: Uncertain significance. Last evaluated: 2025-11-26. Review status: criteria provided, single submitter. Criteria: Ambry Variant Classification Scheme 2023. Collection method: clinical testing. Allele origin: germline.

Labcorp Genetics (formerly Invitae), Labcorp
Classification: Uncertain significance for Epilepsy, familial adult myoclonic, 5. Last evaluated: 2022-07-19. Review status: criteria provided, single submitter. Criteria: Invitae Variant Classification Sherloc (09022015). Collection method: clinical testing. Allele origin: germline.
Comment: In summary, the available evidence is currently insufficient to determine the role of this variant in disease. Therefore, it has been classified as a Variant of Uncertain Significance. Algorithms developed to predict the effect of sequence changes on RNA splicing suggest that this variant may create or strengthen a splice site. This sequence change replaces arginine, which is basic and polar, with glutamine, which is neutral and polar, at codon 736 of the CNTN2 protein (p.Arg736Gln). This variant is present in population databases (rs200101585, gnomAD 0.005%). This variant has not been reported in the literature in individuals affected with CNTN2-related conditions. Advanced modeling of protein sequence and biophysical properties (such as structural, functional, and spatial information, amino acid conservation, physicochemical variation, residue mobility, and thermodynamic stability) performed at Invitae indicates that this missense variant is not expected to disrupt CNTN2 protein function.